The following is an entry in ClinVar:

NM_021629.4(GNB4):c.186T>C (p.His62=)

Gene: GNB4 (G protein subunit beta 4; minus strand). Cytogenetic location: 3q26.33.
Variant type: single nucleotide variant.
Coding change: c.186T>C on transcript NM_021629.4 (MANE Select); coding-DNA position 186, T replaced by C.
Protein change: p.His62=; no amino-acid change (histidine 62 retained).
Molecular consequence: synonymous variant.
Genome position (GRCh38, 1-based): chr3:179,419,416, A>G on the plus strand (T>C on the coding strand, the complement: GNB4 is on the minus strand). VCF-style: chr3-179419416-A-G. GRCh37 (hg19) VCF-style: chr3-179137204-A-G.
Other names: p.His62=.
Identifiers: ClinVar variation 414884 (VCV000414884.62), dbSNP rs149798652, ClinGen allele CA2712558.
Genomic context (GRCh38, chr3:179,419,416, plus strand): 5'-TTCTGCAACAGTTTAAAAATGACAGGTAATGACAGGTACAAACCTGGAATCGTATCCCCA[A>G]TGCATAGCATAGATTTTAGCTAGGTGGCCCCTCAGTGTACGTCTTGTTCGCATTTGTATT-3'
Protein context (NP_067642.1, residues 52-72): RGHLAKIYAM[His62=]WGYDSRLLVS

ClinVar aggregate classification (germline): Benign/Likely benign. Review status: criteria provided, multiple submitters, no conflicts (2 of 4 stars). 8 submissions from 8 submitters: Benign (2); Likely benign (6). Last evaluated 2026-09-01.

Conditions:
Inborn genetic diseases. Identifiers: MedGen C0950123, MeSH D030342.
Charcot-Marie-Tooth disease dominant intermediate F. Identifiers: Orphanet 352670, MedGen C4749463, MONDO:0014074, OMIM 615185.

Allele frequency attached by ClinVar (database versions not stated): 1000 Genomes Project 30x 0.00016; 1000 Genomes Project 0.00020; TOPMed 0.00140; gnomAD 0.00154 and 0.00155; gnomAD exomes 0.00171 and 0.00188; ESP Exome Variant Server 0.00185; ExAC 0.00205.
gnomAD v4.1: 2,938 of 1,605,316 alleles (0.18%); highest among the groups gnomAD compares: Non-Finnish European, 0.22%; 13 homozygotes.

Submissions (8):

CeGaT Center for Human Genetics Tuebingen
Classification: Likely benign. Last evaluated: 2026-09-01. Review status: criteria provided, single submitter. Criteria: CeGaT Center For Human Genetics Tuebingen Variant Classification Criteria Version 2. Collection method: clinical testing. Allele origin: germline. Affected: yes. Observed: 12 variant alleles.
Comment: GNB4: BP4, BP7, BS2

Labcorp Genetics (formerly Invitae), Labcorp
Classification: Benign for Charcot-Marie-Tooth disease dominant intermediate F. Last evaluated: 2026-02-03. Review status: criteria provided, single submitter. Criteria: Invitae Variant Classification Sherloc (09022015). Collection method: clinical testing. Allele origin: germline.

Blueprint Genetics
Classification: Likely benign. Last evaluated: 2024-11-21. Review status: criteria provided, single submitter. Criteria: ACMG Guidelines, 2015. Collection method: clinical testing. Allele origin: germline.

ARUP Laboratories, Molecular Genetics and Genomics, ARUP Laboratories
Classification: Likely benign for Charcot-Marie-Tooth disease dominant intermediate F. Last evaluated: 2023-10-09. Review status: criteria provided, single submitter. Criteria: ARUP Molecular Germline Variant Investigation Process 2024. Collection method: clinical testing. Allele origin: germline.

Mayo Clinic Laboratories, Mayo Clinic
Classification: Benign. Last evaluated: 2023-06-27. Review status: criteria provided, single submitter. Criteria: ACMG Guidelines, 2015. Collection method: clinical testing. Allele origin: germline. Observed: 8 variant alleles.
Comment: BS1, BS2, BP4, BP7

GeneDx
Classification: Likely benign. Last evaluated: 2022-02-14. Review status: criteria provided, single submitter. Criteria: GeneDx Variant Classification Process June 2021. Collection method: clinical testing. Allele origin: germline. Affected: yes.
Comment: This variant is associated with the following publications: (PMID: 28975462)

Ambry Genetics
Classification: Likely benign for Inborn genetic diseases. Last evaluated: 2019-07-11. Review status: criteria provided, single submitter. Criteria: Ambry Variant Classification Scheme 2023. Collection method: clinical testing. Allele origin: germline.

Breakthrough Genomics
Classification: Likely benign. Review status: criteria provided, single submitter. Criteria: ACMG Guidelines, 2015. Collection method: not provided. Allele origin: germline. Inheritance: Autosomal dominant inheritance. Affected: yes.